The following is an entry in ClinVar:

ClinVar aggregate classification (germline): Uncertain significance (1 of 4 stars; one submission).

Submission:

GeneDx
Classification: Uncertain significance. Last evaluated: 2023-04-19. Review status: criteria provided, single submitter. Criteria: GeneDx Variant Classification Process June 2021. Collection method: clinical testing. Allele origin: germline. Affected: yes.
Comment: Not observed at significant frequency in large population cohorts (gnomAD); In silico analysis supports that this missense variant does not alter protein structure/function; Has not been previously published as pathogenic or benign to our knowledge

NM_001353694.2(TIAM1):c.1075C>T (p.Pro359Ser)

Gene: TIAM1 (TIAM Rac1 associated GEF 1; minus strand). Cytogenetic location: 21q22.11.
Variant type: single nucleotide variant.
Coding change: c.1075C>T on transcript NM_001353694.2 (MANE Select); coding-DNA position 1075, C replaced by T.
Protein change: p.Pro359Ser; replaces proline 359 with serine.
Molecular consequence: missense variant.
Genome position (GRCh38, 1-based): chr21:31,252,078, G>A on the plus strand (C>T on the coding strand, the complement: TIAM1 is on the minus strand). VCF-style: chr21-31252078-G-A. GRCh37 (hg19) VCF-style: chr21-32624394-G-A.
Other names: c.1075C>T, p.Pro359Ser (NM_001353686.2, NM_001353687.2, NM_001353688.1 and 6 more transcripts); short protein forms P359S.
Identifiers: ClinVar variation 2662579 (VCV002662579.1), dbSNP rs2516639231, ClinGen allele CA410052952.